The following is an entry in ClinVar:

NM_001378615.1(CC2D2A):c.3126G>A (p.Lys1042=)

Genes: CC2D2A (coiled-coil and C2 domain containing 2A; plus strand), FBXL5 (F-box and leucine rich repeat protein 5; minus strand). Cytogenetic location: 4p15.32.
Variant type: single nucleotide variant.
Coding change: c.3126G>A on transcript NM_001378615.1 (MANE Select); coding-DNA position 3126, G replaced by A.
Protein change: p.Lys1042=; no amino-acid change (lysine 1042 retained).
Molecular consequence: synonymous variant.
Genome position (GRCh38, 1-based): chr4:15,563,466, G>A. VCF-style: chr4-15563466-G-A. GRCh37 (hg19) VCF-style: chr4-15565089-G-A.
Other names: c.3126G>A, p.Lys1042= (NM_001080522.2); c.2979G>A, p.Lys993= (NM_001378617.1).
Identifiers: ClinVar variation 1606233 (VCV001606233.9), dbSNP rs767804652, ClinGen allele CA2864079.
Genomic context (GRCh38, chr4:15,563,466, plus strand): 5'-GCCAAGGAGAAAAGGTCGGAAGAAGGTGACAGCCCAAAACCTGTCTGATGGAGACATAAA[G>A]CTGCTGGTGAACATTGTGCGAGCTTACGACATTCCAGTGAGGAAGCCGGCAGTGAGGTGA-3'
Protein context (NP_001365544.1, residues 1032-1052): TAQNLSDGDI[Lys1042=]LLVNIVRAYD

ClinVar aggregate classification (germline): Likely benign. Review status: criteria provided, multiple submitters, no conflicts (2 of 4 stars). 2 submissions from 2 submitters: Likely benign (2). Last evaluated 2026-08-31.

Conditions:
Meckel-Gruber syndrome. Also called: DYSENCEPHALIA SPLANCHNOCYSTICA; GRUBER SYNDROME; Dysencephalia splachnocystica. Identifiers: Orphanet 564, MedGen C0265215, MONDO:0018921.
Joubert syndrome. Also called: JOUBERT-BOLTSHAUSER SYNDROME; Familial aplasia of the vermis. Identifiers: Orphanet 475, MedGen C5979921, MONDO:0018772.
CC2D2A-related disorder. Also called: CC2D2A-related condition; CC2D2A-related disorders. Identifiers: MedGen CN239313.

Allele frequency attached by ClinVar (database versions not stated): gnomAD exomes below 0.00001; TOPMed below 0.00001; gnomAD 0.00001; ExAC 0.00002.
gnomAD v4.1: 7 of 1,612,210 alleles (0.00043%); highest among the groups gnomAD compares: Middle Eastern, 0.016%; no homozygotes.

Submissions (2):

PreventionGenetics, part of Exact Sciences
Classification: Likely benign for CC2D2A-related condition. Last evaluated: 2026-08-31. Review status: criteria provided, single submitter. Criteria: ACMG Guidelines, 2015. Collection method: clinical testing. Allele origin: germline.
Comment: This variant is classified as likely benign based on ACMG/AMP sequence variant interpretation guidelines (Richards et al. 2015 PMID: 25741868, with internal and published modifications).

Labcorp Genetics (formerly Invitae), Labcorp
Classification: Likely benign for Joubert syndrome; Meckel-Gruber syndrome. Last evaluated: 2025-09-22. Review status: criteria provided, single submitter. Criteria: Invitae Variant Classification Sherloc (09022015). Collection method: clinical testing. Allele origin: germline.